The following is an entry in ClinVar:

ClinVar aggregate classification (germline): Uncertain significance (1 of 4 stars; one submission).

Conditions:
Early Myoclonic Encephalopathy. Identifiers: MedGen C0270855.

Allele frequency attached by ClinVar (database versions not stated): gnomAD 0.00002; gnomAD exomes 0.00001; TOPMed 0.00003.
gnomAD v4.1: 12 of 1,613,726 alleles (0.00074%); highest among the groups gnomAD compares: Middle Eastern, 0.049%; no homozygotes.

Submission:

Labcorp Genetics (formerly Invitae), Labcorp
Classification: Uncertain significance for Early Myoclonic Encephalopathy. Last evaluated: 2023-10-29. Review status: criteria provided, single submitter. Criteria: Invitae Variant Classification Sherloc (09022015). Collection method: clinical testing. Allele origin: germline.
Comment: This sequence change replaces methionine, which is neutral and non-polar, with isoleucine, which is neutral and non-polar, at codon 537 of the JMJD1C protein (p.Met537Ile). This variant is present in population databases (no rsID available, gnomAD 0.003%). This variant has not been reported in the literature in individuals affected with JMJD1C-related conditions. ClinVar contains an entry for this variant (Variation ID: 529711). Advanced modeling of protein sequence and biophysical properties (such as structural, functional, and spatial information, amino acid conservation, physicochemical variation, residue mobility, and thermodynamic stability) performed at Invitae indicates that this missense variant is not expected to disrupt JMJD1C protein function with a negative predictive value of 80%. In summary, the available evidence is currently insufficient to determine the role of this variant in disease. Therefore, it has been classified as a Variant of Uncertain Significance.

NM_032776.3(JMJD1C):c.1611G>A (p.Met537Ile)

Gene: JMJD1C (jumonji domain containing 1C; minus strand). Cytogenetic location: 10q21.3.
Variant type: single nucleotide variant.
Coding change: c.1611G>A on transcript NM_032776.3 (MANE Select); coding-DNA position 1611, G replaced by A.
Protein change: p.Met537Ile; replaces methionine 537 with isoleucine.
Molecular consequence: missense variant. On other transcripts: non-coding transcript variant (1).
Genome position (GRCh38, 1-based): chr10:63,214,556, C>T on the plus strand (G>A on the coding strand, the complement: JMJD1C is on the minus strand). VCF-style: chr10-63214556-C-T. GRCh37 (hg19) VCF-style: chr10-64974316-C-T.
Other names: c.1065G>A, p.Met355Ile (NM_001282948.2, NM_001318154.2); c.747G>A, p.Met249Ile (NM_001318153.2); c.1497G>A, p.Met499Ile (NM_001322252.2); c.954G>A, p.Met318Ile (NM_001322254.2, NM_001322258.2); short protein forms M537I, M249I, M499I, M355I, M318I.
Identifiers: ClinVar variation 529711 (VCV000529711.6), dbSNP rs897135842, ClinGen allele CA208377262.